The following is an entry in ClinVar:

NM_001868.4(CPA1):c.424C>T (p.Leu142Phe)

Gene: CPA1 (carboxypeptidase A1; plus strand). Cytogenetic location: 7q32.2.
Variant type: single nucleotide variant.
Coding change: c.424C>T on transcript NM_001868.4 (MANE Select); coding-DNA position 424, C replaced by T.
Protein change: p.Leu142Phe; replaces leucine 142 with phenylalanine.
Molecular consequence: missense variant.
Genome position (GRCh38, 1-based): chr7:130,382,150, C>T. VCF-style: chr7-130382150-C-T. GRCh37 (hg19) VCF-style: chr7-130021991-C-T.
Other names: short protein forms L142F.
Identifiers: ClinVar variation 2448274 (VCV002448274.2), dbSNP rs2536006326, ClinGen allele CA369280957.

ClinVar aggregate classification (germline): Uncertain significance (1 of 4 stars; one submission).

Conditions:
Hereditary pancreatitis (PCTT). Also called: Hereditary chronic pancreatitis; PRSS1-Related Hereditary Pancreatitis. Identifiers: Orphanet 676, MedGen C0238339, MONDO:0008185, OMIM 167800.

Submission:

Ambry Genetics
Classification: Uncertain significance for Hereditary pancreatitis. Last evaluated: 2023-02-09. Review status: criteria provided, single submitter. Criteria: Ambry Variant Classification Scheme 2023. Collection method: clinical testing. Allele origin: germline.
Comment: The p.L142F variant (also known as c.424C>T), located in coding exon 4 of the CPA1 gene, results from a C to T substitution at nucleotide position 424. The leucine at codon 142 is replaced by phenylalanine, an amino acid with highly similar properties. This amino acid position is conserved. In addition, this alteration is predicted to be tolerated by in silico analysis. Since supporting evidence is limited at this time, the clinical significance of this alteration remains unclear.